The following is an entry in ClinVar:

ClinVar aggregate classification (germline): Benign/Likely benign. Review status: criteria provided, multiple submitters, no conflicts (2 of 4 stars). 5 submissions from 5 submitters: Benign (3); Likely benign (2). Last evaluated 2025-11-17.

Conditions:
Hereditary cancer-predisposing syndrome. Also called: Hereditary neoplastic syndrome; Tumor predisposition; Neoplastic Syndromes, Hereditary; Hereditary Cancer Syndrome. Identifiers: Orphanet 140162, MedGen C0027672, MeSH D009386, MONDO:0015356.
Tuberous sclerosis 2 (TSC2). Identifiers: Orphanet 805, MedGen C1860707, MONDO:0013199, OMIM 613254.

Allele frequency attached by ClinVar (database versions not stated): gnomAD exomes 0.00001 and 0.00002; ExAC 0.00004.
gnomAD v4.1: 17 of 1,611,046 alleles (0.0011%); highest among the groups gnomAD compares: South Asian, 0.019%; no homozygotes.

Submissions (5):

Labcorp Genetics (formerly Invitae), Labcorp
Classification: Benign for Tuberous sclerosis 2. Last evaluated: 2025-11-17. Review status: criteria provided, single submitter. Criteria: Invitae Variant Classification Sherloc (09022015). Collection method: clinical testing. Allele origin: germline.

Myriad Genetics, Inc.
Classification: Benign for Tuberous sclerosis 2. Last evaluated: 2025-05-08. Review status: criteria provided, single submitter. Criteria: Myriad Autosomal Dominant, Autosomal Recessive and X-Linked Classification Criteria (2023). Collection method: clinical testing. Allele origin: unknown.
Comment: This variant is considered benign. This variant is a silent/synonymous amino acid change and it is not expected to impact splicing.

Genome-Nilou Lab
Classification: Benign for Tuberous sclerosis 2. Last evaluated: 2021-11-07. Review status: criteria provided, single submitter. Criteria: ACMG Guidelines, 2015. Collection method: clinical testing. Allele origin: germline. Affected: no.

Ambry Genetics
Classification: Likely benign for Hereditary cancer-predisposing syndrome. Last evaluated: 2019-10-30. Review status: criteria provided, single submitter. Criteria: Ambry Variant Classification Scheme 2023. Collection method: clinical testing. Allele origin: germline.

GeneDx
Classification: Likely benign. Last evaluated: 2017-04-06. Review status: criteria provided, single submitter. Criteria: GeneDx Variant Classification (06012015). Collection method: clinical testing. Allele origin: germline. Affected: yes.
Comment: This variant is considered likely benign or benign based on one or more of the following criteria: it is a conservative change, it occurs at a poorly conserved position in the protein, it is predicted to be benign by multiple in silico algorithms, and/or has population frequency not consistent with disease.

NM_000548.5(TSC2):c.657G>A (p.Leu219=)

Gene: TSC2 (TSC complex subunit 2; plus strand). Cytogenetic location: 16p13.3.
Variant type: single nucleotide variant.
Coding change: c.657G>A on transcript NM_000548.5 (MANE Select); coding-DNA position 657, G replaced by A.
Protein change: p.Leu219=; no amino-acid change (leucine 219 retained).
Molecular consequence: synonymous variant.
Genome position (GRCh38, 1-based): chr16:2,056,652, G>A. VCF-style: chr16-2056652-G-A. GRCh37 (hg19) VCF-style: chr16-2106653-G-A.
Other names: c.657G>A, p.Leu219= (NM_001077183.3, NM_001114382.3, NM_001363528.2 and 3 more transcripts); c.546G>A, p.Leu182= (NM_001318827.2); c.510G>A, p.Leu170= (NM_001318829.2); c.57G>A, p.Leu19= (NM_001318831.2); c.690G>A, p.Leu230= (NM_001318832.2).
Identifiers: ClinVar variation 378891 (VCV000378891.18), dbSNP rs768570301, ClinGen allele CA056065.
Genomic context (GRCh38, chr16:2,056,652, plus strand): 5'-TGTGGGGAGGAGCTGGGGTAGGACGGGCGTGAGCCGTCTCCCTCTCCACCAGGTCTCCCT[G>A]CAGGTGCTGGACGCCGTGGTCTGCTACAACTGCCTGCCGGCTGAGAGCCTCCCGCTGTTC-3'
Protein context (NP_000539.2, residues 209-229): TASSVDIEVS[Leu219=]QVLDAVVCYN